The following is an entry in ClinVar:

ClinVar aggregate classification (germline): Uncertain significance (1 of 4 stars; one submission).

Conditions:
Hyperaldosteronism, familial, type IV (HALD4). Also called: FH IV; ALDOSTERONISM, PRIMARY, AND HYPERTENSION. Identifiers: Orphanet 642671, MedGen C4310756, MONDO:0014875, OMIM 617027.
Idiopathic generalized epilepsy. Also called: Generalised epilepsy; EIG. Identifiers: MedGen C0270850, MONDO:0005579, OMIM 600669.

Allele frequency attached by ClinVar (database versions not stated): gnomAD 0.00003; gnomAD exomes 0.00005; ExAC 0.00008.
gnomAD v4.1: 41 of 1,613,194 alleles (0.0025%); highest among the groups gnomAD compares: South Asian, 0.045%; no homozygotes.

Submission:

Labcorp Genetics (formerly Invitae), Labcorp
Classification: Uncertain significance for Idiopathic generalized epilepsy; Hyperaldosteronism, familial, type IV. Last evaluated: 2020-09-15. Review status: criteria provided, single submitter. Criteria: Invitae Variant Classification Sherloc (09022015). Collection method: clinical testing. Allele origin: germline.
Comment: In summary, the available evidence is currently insufficient to determine the role of this variant in disease. Therefore, it has been classified as a Variant of Uncertain Significance. Algorithms developed to predict the effect of missense changes on protein structure and function are either unavailable or do not agree on the potential impact of this missense change (SIFT: "Deleterious"; PolyPhen-2: "Probably Damaging"; Align-GVGD: "Class C0"). This variant has not been reported in the literature in individuals with CACNA1H-related conditions. This variant is present in population databases (rs768438272, ExAC 0.06%), and has an allele count higher than expected for a pathogenic variant (PMID: 28166811). This sequence change replaces leucine with isoleucine at codon 998 of the CACNA1H protein (p.Leu998Ile). The leucine residue is highly conserved and there is a small physicochemical difference between leucine and isoleucine.

Literature cited by the submitters: PubMed 28166811.

NM_021098.3(CACNA1H):c.2992C>A (p.Leu998Ile)

Gene: CACNA1H (calcium voltage-gated channel subunit alpha1 H; plus strand). Cytogenetic location: 16p13.3.
Variant type: single nucleotide variant.
Coding change: c.2992C>A on transcript NM_021098.3 (MANE Select); coding-DNA position 2992, C replaced by A.
Protein change: p.Leu998Ile; replaces leucine 998 with isoleucine.
Molecular consequence: missense variant.
Genome position (GRCh38, 1-based): chr16:1,207,359, C>A. VCF-style: chr16-1207359-C-A. GRCh37 (hg19) VCF-style: chr16-1257359-C-A.
Other names: c.2992C>A, p.Leu998Ile (NM_001005407.2); short protein forms L998I.
Identifiers: ClinVar variation 1060966 (VCV001060966.9), dbSNP rs768438272, ClinGen allele CA7800541.